The following is an entry in ClinVar:

NM_015627.3(LDLRAP1):c.80G>A (p.Arg27Gln)

Genes: LDLRAP1 (low density lipoprotein receptor adaptor protein 1; plus strand), LOC129929773 (ATAC-STARR-seq lymphoblastoid silent region 456; plus strand). Cytogenetic location: 1p36.11.
Variant type: single nucleotide variant.
Coding change: c.80G>A on transcript NM_015627.3 (MANE Select); coding-DNA position 80, G replaced by A.
Protein change: p.Arg27Gln; replaces arginine 27 with glutamine.
Molecular consequence: missense variant.
Genome position (GRCh38, 1-based): chr1:25,543,778, G>A. VCF-style: chr1-25543778-G-A. GRCh37 (hg19) VCF-style: chr1-25870269-G-A.
Other names: short protein forms R27Q.
Identifiers: ClinVar variation 2521305 (VCV002521305.3), dbSNP rs2043859765, ClinGen allele CA339076748.

ClinVar aggregate classification (germline): Uncertain significance (1 of 4 stars; one submission).

Conditions:
Cardiovascular phenotype. Identifiers: MedGen CN230736.

Allele frequency attached by ClinVar (database versions not stated): TOPMed below 0.00001.

Submission:

Ambry Genetics
Classification: Uncertain significance for Cardiovascular phenotype. Last evaluated: 2025-04-19. Review status: criteria provided, single submitter. Criteria: Ambry Variant Classification Scheme 2023. Collection method: clinical testing. Allele origin: germline.
Comment: The p.R27Q variant (also known as c.80G>A), located in coding exon 1 of the LDLRAP1 gene, results from a G to A substitution at nucleotide position 80. The arginine at codon 27 is replaced by glutamine, an amino acid with highly similar properties. This amino acid position is conserved. In addition, this alteration is predicted to be tolerated by in silico analysis. Based on the available evidence, the clinical significance of this variant remains unclear.